The following is an entry in ClinVar:

NM_014285.7(EXOSC2):c.801+1G>A

Gene: EXOSC2 (exosome component 2; plus strand). Cytogenetic location: 9q34.12.
Variant type: single nucleotide variant.
Coding change: c.801+1G>A on transcript NM_014285.7 (MANE Select); the canonical splice donor site of the intron after coding-DNA position 801, G replaced by A.
Molecular consequence: splice donor variant.
Genome position (GRCh38, 1-based): chr9:130,703,182, G>A. VCF-style: chr9-130703182-G-A. GRCh37 (hg19) VCF-style: chr9-133578569-G-A.
Other names: c.723+1G>A (NM_001282708.1); c.711+1G>A (NM_001282709.1).
Identifiers: ClinVar variation 837262 (VCV000837262.9), dbSNP rs780641666, ClinGen allele CA5284979.
Genomic context (GRCh38, chr9:130,703,182, plus strand): 5'-AGGATGATGCTGTATGATACCAGCATCCTGTACTGCTATGAAGCATCCCTTCCACATCAG[G>A]TACTCTCCCCAGGGCCTCTCCCTTCTTCACTGATCTGTGAGCTGCTCTGTTGTTTGTTCA-3'

ClinVar aggregate classification (germline): Conflicting classifications of pathogenicity. Review status: criteria provided, conflicting classifications (1 of 4 stars). 3 submissions from 3 submitters: Likely pathogenic (1); Uncertain significance (2). Last evaluated 2024-09-17.

Conditions:
Retinitis pigmentosa-hearing loss-premature aging-short stature-facial dysmorphism syndrome. Also called: Short stature, hearing loss, retinitis pigmentosa, and distinctive facies. Identifiers: Orphanet 494439, MedGen C4540367, MONDO:0044634, OMIM 617763.

Allele frequency attached by ClinVar (database versions not stated): gnomAD 0.00004; TOPMed 0.00008; gnomAD exomes 0.00016; ExAC 0.00027.
gnomAD v4.1: 128 of 1,608,582 alleles (0.008%); highest among the groups gnomAD compares: Non-Finnish European, 0.0094%; no homozygotes.

Submissions (4):

Blueprint Genetics
Classification: Uncertain significance. Last evaluated: 2024-09-17. Review status: criteria provided, single submitter. Criteria: ACMG Guidelines, 2015. Collection method: clinical testing. Allele origin: germline.

Institute of Human Genetics, University of Leipzig Medical Center
Classification: Likely pathogenic for Retinitis pigmentosa-hearing loss-premature aging-short stature-facial dysmorphism syndrome. Last evaluated: 2024-06-28. Review status: criteria provided, single submitter. Criteria: ACMG Guidelines, 2015. Collection method: clinical testing. Allele origin: unknown. Inheritance: Autosomal recessive inheritance. Affected: yes.
Comment: Criteria applied: PVS1_MOD,PM2,PM3

Labcorp Genetics (formerly Invitae), Labcorp
Classification: Uncertain significance. Last evaluated: 2022-06-27. Review status: criteria provided, single submitter. Criteria: Invitae Variant Classification Sherloc (09022015). Collection method: clinical testing. Allele origin: germline.
Comment: This sequence change affects a donor splice site in intron 8 of the EXOSC2 gene. It is expected to disrupt RNA splicing. Variants that disrupt the donor or acceptor splice site typically lead to a loss of protein function (PMID: 16199547), however the current clinical and genetic evidence is not sufficient to establish whether loss-of-function variants in EXOSC2 cause disease. This variant is present in population databases (rs780641666, gnomAD 0.03%). Disruption of this splice site has been observed in individual(s) with clinical features of EXOSC2-related disease (Invitae). ClinVar contains an entry for this variant (Variation ID: 837262). Algorithms developed to predict the effect of sequence changes on RNA splicing suggest that this variant may disrupt the consensus splice site. In summary, the available evidence is currently insufficient to determine the role of this variant in disease. Therefore, it has been classified as a Variant of Uncertain Significance.

Dr. Peter K. Rogan Lab, Western University
No classification provided (evidence only). Condition: Clear cell carcinoma of kidney. Review status: no classification provided. Collection method: in vitro. Allele origin: not applicable. Functional consequence: skipped exon, retained intron. Not counted in ClinVar's aggregate classification.

Literature cited by the submitters: PubMed 16199547 (cited by Labcorp Genetics (formerly Invitae), Labcorp).